The following is an entry in ClinVar:

ClinVar aggregate classification (germline): Uncertain significance (1 of 4 stars; one submission).

gnomAD v4.1: 3 of 1,614,080 alleles (0.00019%); highest among the groups gnomAD compares: Non-Finnish European, 0.00025%; no homozygotes.

Submission:

Labcorp Genetics (formerly Invitae), Labcorp
Classification: Uncertain significance. Last evaluated: 2024-02-20. Review status: criteria provided, single submitter. Criteria: Invitae Variant Classification Sherloc (09022015). Collection method: clinical testing. Allele origin: germline.
Comment: This sequence change falls in intron 17 of the LRP5 gene. It does not directly change the encoded amino acid sequence of the LRP5 protein. It affects a nucleotide within the consensus splice site. This variant is not present in population databases (gnomAD no frequency). This variant has not been reported in the literature in individuals affected with LRP5-related conditions. Variants that disrupt the consensus splice site are a relatively common cause of aberrant splicing (PMID: 17576681, 9536098). Algorithms developed to predict the effect of sequence changes on RNA splicing suggest that this variant is not likely to affect RNA splicing. In summary, the available evidence is currently insufficient to determine the role of this variant in disease. Therefore, it has been classified as a Variant of Uncertain Significance.

Literature cited by the submitters: PubMed 17576681; PubMed 9536098.

NM_002335.4(LRP5):c.3763+6T>C

Gene: LRP5 (LDL receptor related protein 5; plus strand). Cytogenetic location: 11q13.2.
Variant type: single nucleotide variant.
Coding change: c.3763+6T>C on transcript NM_002335.4 (MANE Select); 6 bases into the intron after coding-DNA position 3763, T replaced by C.
Molecular consequence: intron variant.
Genome position (GRCh38, 1-based): chr11:68,429,706, T>C. VCF-style: chr11-68429706-T-C. GRCh37 (hg19) VCF-style: chr11-68197174-T-C.
Other names: c.2020+6T>C (NM_001291902.2).
Identifiers: ClinVar variation 4803701 (VCV004803701.1).